The following is an entry in ClinVar:

ClinVar aggregate classification (germline): Pathogenic (1 of 4 stars; one submission).

Submission:

CeGaT Center for Human Genetics Tuebingen
Classification: Pathogenic. Last evaluated: 2022-03-01. Review status: criteria provided, single submitter. Criteria: CeGaT Center For Human Genetics Tuebingen Variant Classification Criteria Version 2. Collection method: clinical testing. Allele origin: germline. Affected: yes. Observed: 1 variant allele.
Comment: SHANK3: PVS1, PM2, PS2:Moderate

NM_001372044.2(SHANK3):c.3996_4000dup (p.Pro1334fs)

Gene: SHANK3 (SH3 and multiple ankyrin repeat domains 3; plus strand). Cytogenetic location: 22q13.33.
Variant type: Duplication.
Coding change: c.3996_4000dup on transcript NM_001372044.2 (MANE Select); coding-DNA positions 3996 to 4000, 5 bases duplicated (GCCCC; older notation c.3996_4000dupGCCCC).
Protein change: p.Pro1334fs; shifts the reading frame from proline 1334.
Molecular consequence: frameshift variant.
Genome position (GRCh38, 1-based): chr22:50,721,604-50,721,608, GCCCC duplicated. VCF-style (leftmost placement, unchanged base first): chr22-50721603-A-AGCCCC. GRCh37 (hg19) VCF-style: chr22-51160031-A-AGCCCC.
Other names: short protein forms P1334fs.
Identifiers: ClinVar variation 1675897 (VCV001675897.33), dbSNP rs2146832177, ClinGen allele CA2573158316.
Genomic context (GRCh38, chr22:50,721,603, plus strand): 5'-TGGCCCCGGCCCCCATGCAGTCAGCGGCTGTGGCAGAGCCCCTGCCCAGCCCCCGGGCCC[A>AGCCCC]GCCCCCTGGTGGCACCCCGGCAGACGCCGGGCCAGGCCAGGGCAGCTCAGAGGAAGAGCC-3'